The following is an entry in ClinVar:

NM_005560.6(LAMA5):c.2101C>T (p.Arg701Cys)

Gene: LAMA5 (laminin subunit alpha 5; minus strand). Cytogenetic location: 20q13.33.
Variant type: single nucleotide variant.
Coding change: c.2101C>T on transcript NM_005560.6 (MANE Select); coding-DNA position 2101, C replaced by T.
Protein change: p.Arg701Cys; replaces arginine 701 with cysteine.
Molecular consequence: missense variant.
Genome position (GRCh38, 1-based): chr20:62,337,653, G>A on the plus strand (C>T on the coding strand, the complement: LAMA5 is on the minus strand). VCF-style: chr20-62337653-G-A. GRCh37 (hg19) VCF-style: chr20-60912709-G-A.
Other names: c.2101C>T (NM_005560.4); short protein forms R701C.
Identifiers: ClinVar variation 2595582 (VCV002595582.5), dbSNP rs147301014, ClinGen allele CA9943635.

ClinVar aggregate classification (germline): Uncertain significance. Review status: criteria provided, multiple submitters, no conflicts (2 of 4 stars). 2 submissions from 2 submitters: Uncertain significance (2). Last evaluated 2025-09-22.

Conditions:
LAMA5-related disorder. Also called: LAMA5-related condition; LAMA5-Related Disorders.
Inborn genetic diseases. Identifiers: MedGen C0950123, MeSH D030342.

Allele frequency attached by ClinVar (database versions not stated): ExAC 0.00001; gnomAD exomes 0.00001; ESP Exome Variant Server 0.00008; gnomAD 0.00008; TOPMed 0.00025.

Submissions (2):

Ambry Genetics
Classification: Uncertain significance for Inborn genetic diseases. Last evaluated: 2025-09-22. Review status: criteria provided, single submitter. Criteria: Ambry Variant Classification Scheme 2023. Collection method: clinical testing. Allele origin: germline.

PreventionGenetics, part of Exact Sciences
Classification: Uncertain significance for LAMA5-related condition. Last evaluated: 2025-03-20. Review status: criteria provided, single submitter. Criteria: ACMG Guidelines, 2015. Collection method: clinical testing. Allele origin: germline.
Comment: The LAMA5 c.2101C>T variant is predicted to result in the amino acid substitution p.Arg701Cys. To our knowledge, this variant has not been reported in the literature. This variant is reported in 0.0087% of alleles in individuals of Latino descent in gnomAD. At this time, the clinical significance of this variant is uncertain due to the absence of conclusive functional and genetic evidence.